The following is an entry in ClinVar:

ClinVar aggregate classification (germline): Pathogenic (1 of 4 stars; one submission).

Conditions:
Aortic aneurysm, familial thoracic 7 (AAT7). Also called: AORTIC DISSECTION, FAMILIAL, WITH OR WITHOUT AORTIC ANEURYSM. Identifiers: MedGen C3151077, MONDO:0013418, OMIM 613780.

Submission:

Labcorp Genetics (formerly Invitae), Labcorp
Classification: Pathogenic for Aortic aneurysm, familial thoracic 7. Last evaluated: 2023-04-03. Review status: criteria provided, single submitter. Criteria: Invitae Variant Classification Sherloc (09022015). Collection method: clinical testing. Allele origin: germline.
Comment: This variant is not present in population databases (gnomAD no frequency). This variant has not been reported in the literature in individuals affected with MYLK-related conditions. For these reasons, this variant has been classified as Pathogenic. This sequence change creates a premature translational stop signal (p.Glu1468Aspfs*2) in the MYLK gene. This variant occurs within the aortic-specific isoform of MYLK. Loss-of-function variants in the aortic-specific isoform of MYLK are known to be pathogenic for thoracic aortic dissections (PMID: 21055718).

Literature cited by the submitters: PubMed 21055718.

NM_053025.4(MYLK):c.4404_4407del (p.Glu1468fs)

Gene: MYLK (myosin light chain kinase; minus strand). Cytogenetic location: 3q21.1.
Variant type: Microsatellite.
Coding change: c.4404_4407del on transcript NM_053025.4 (MANE Select); coding-DNA positions 4404 to 4407, 4 bases deleted (GAGA; older notation c.4404_4407delGAGA).
Protein change: p.Glu1468fs; shifts the reading frame from glutamic acid 1468.
Molecular consequence: frameshift variant.
Genome position (GRCh38, 1-based): chr3:123,648,979-123,648,982, TCTC deleted on the plus strand (GAGA on the coding strand, the reverse complement: MYLK is on the minus strand); deleting any 4 consecutive bases within chr3:123,648,979-123,648,984 gives the same sequence; the c. name uses the placement nearest the transcript's 3' end. VCF-style (leftmost placement, unchanged base first): chr3-123648978-ATCTC-A. GRCh37 (hg19) VCF-style: chr3-123367825-ATCTC-A.
Other names: c.3876_3879del, p.Glu1292fs (NM_001321309.2); c.4197_4200del, p.Glu1399fs (NM_053026.4, NM_053028.4); c.4404_4407del, p.Glu1468fs (NM_053027.4); short protein forms E1399fs, E1292fs, E1468fs.
Identifiers: ClinVar variation 2851655 (VCV002851655.3), dbSNP rs2473397144, ClinGen allele CA2739278518.
Genomic context (GRCh38, chr3:123,648,978, plus strand): 5'-ACCCGCACCACCCTCACCCTGGGAGCCCAGAGGCAACTTCCCACTCCACTTACGATCCTA[ATCTC>A]TCCTCAATGTCGTAGAAGTCAGATACTTTTTGTTCAGTATTGATTGTCACTGTCCGGTAA-3'